The following is an entry in ClinVar:

ClinVar aggregate classification (germline): Conflicting classifications of pathogenicity. Review status: criteria provided, conflicting classifications (1 of 4 stars). 16 submissions from 16 submitters: Pathogenic (2); Likely pathogenic (7); Uncertain significance (5). 2 of the submissions do not count toward it. Last evaluated 2026-08-24.

Conditions:
TSHR-related disorder. Also called: TSHR-related condition; TSHR-related disorders.
Inborn genetic diseases. Identifiers: MedGen C0950123, MeSH D030342.
Familial hyperthyroidism due to mutations in TSH receptor. Also called: TOXIC THYROID HYPERPLASIA, AUTOSOMAL DOMINANT; HYPERTHYROIDISM, CONGENITAL NONAUTOIMMUNE; HYPERTHYROIDISM, NONAUTOIMMUNE, AUTOSOMAL DOMINANT. Identifiers: Orphanet 424, MedGen C1836706, MONDO:0012203, OMIM 609152.
Hypothyroidism due to TSH receptor mutations. Also called: HYPOTHYROIDISM DUE TO UNRESPONSIVENESS TO THYROTROPIN; HYPOTHYROIDISM, CONGENITAL, DUE TO TSH RESISTANCE; HYPOTHYROIDISM, NONAUTOIMMUNE; THYROID-STIMULATING HORMONE, RESISTANCE TO; TSH RESISTANCE; Hypothyroidism, congenital, nongoitrous, 1. Identifiers: Orphanet 90673, MedGen C3493776, MONDO:0010142, OMIM 275200.
Familial gestational hyperthyroidism. Identifiers: Orphanet 99819, MedGen C1863959, MONDO:0011309, OMIM 603373.
Malignant tumor of breast. Also called: Cancer breast; Malignant breast neoplasm. Identifiers: MedGen C0006142, MONDO:0007254. Disease mechanism: loss of function.

Allele frequency attached by ClinVar (database versions not stated): gnomAD 0.00022 and 0.00029; 1000 Genomes Project 30x 0.00031; TOPMed 0.00036; 1000 Genomes Project 0.00040; ESP Exome Variant Server 0.00046; gnomAD exomes 0.00054; ExAC 0.00065.

Submissions 1 to 12 of 16:

PreventionGenetics, part of Exact Sciences
Classification: Likely pathogenic for TSHR-related condition. Last evaluated: 2026-08-24. Review status: criteria provided, single submitter. Criteria: ACMG Guidelines, 2015. Collection method: clinical testing. Allele origin: germline.
Comment: The TSHR c.202C>T variant is predicted to result in the amino acid substitution p.Pro68Ser. This variant has been reported in the homozygous and compound heterozygous states in individuals with hyperthyrotropinemia and mild hyperthyrotropinemia, and functional studies have found that this amino acid substitution decreases substrate binding capacity of the protein, resulting in a partially deleterious effect on TSH-dependent activation of Gsα-coupled signal transduction (Tenenbaum-Rakover et al. 2009. PubMed ID: 19240155; Nicoletti et al. 2009. PubMed ID: 19820021; Tenenbaum-Rakover et al. 2015. PubMed ID: 25557138; Yeste et al. 2024. PubMed ID: 39337518). This variant is reported in 0.17% of alleles in individuals of Ashkenazi Jewish descent in gnomAD. This variant is interpreted as likely pathogenic for autosomal recessive disease.

GeneDx
Classification: Uncertain significance. Last evaluated: 2026-08-04. Review status: criteria provided, single submitter. Criteria: GeneDx Variant Classification Process June 2021. Collection method: clinical testing. Allele origin: germline.
Comment: Identified in the heterozygous state in a patient with congenital hypothyroidism in the published literature, although this variant was inherited from a parent with unknown clinical status (PMID: 34248839); Published functional studies suggest this variant is associated with decreased TSH binding capacity and a reduction in cell-surface expression, but no overall effect on biological activity (PMID: 19820021, 19240155); Additional functional studies suggest this variant reduces TSH-stimulated downstream activity in cells transfected with P68S alone (simulating homozygosity) but no effect noted when cotransfecting P68S and wild-type TSHR (simulating heterozygosity) (PMID: 19240155); In silico analysis supports that this missense variant has a deleterious effect on protein structure/function; This variant is associated with the following publications: (PMID: 27060741, 31589614, 34248839, 34426522, 26556299, 33558524, 34200080, 26990548, 28444304, 22049173, 34308104, 36913313, 36964991, 28561265, 34780050, 39337518, 25557138, 19820021, 19240155, Carpenter2024[preprint], 39425040)

Dasa
Classification: Likely pathogenic. Last evaluated: 2026-01-30. Review status: criteria provided, single submitter. Criteria: DASA Assertion Criteria. Collection method: clinical testing. Allele origin: germline.
Comment: NM_000369.5(TSHR):c.202C>T (p.Pro68Ser) is a missense variant that results in the substitution of proline with serine. This variant has been recurrently observed in individuals with TSHR-related disorders (PMID: 19240155; PMID: 25557138). Functional evidence supports an impact on the gene or gene product. Also, this variant is rare in population databases. Computational evidence supports a deleterious effect. Based on the currently available evidence, this variant is classified as likely pathogenic.

3billion
Classification: Likely pathogenic for Hypothyroidism due to TSH receptor mutations. Last evaluated: 2025-11-10. Review status: criteria provided, single submitter. Criteria: ACMG Guidelines, 2015. Collection method: clinical testing. Allele origin: germline. Affected: yes.
Comment: The variant is observed at an extremely low frequency in the gnomAD v4.1.0 dataset (total allele frequency: 0.036%). Predicted Consequence/Location: Missense variant In silico tool prediction suggests damaging effect of the variant on gene or gene product [REVEL: 0.82 (>=0.6, sensitivity 0.68 and specificity 0.92)]. The same nucleotide change resulting in the same amino acid change has been previously reported as pathogenic/likely pathogenic with strong evidence (ClinVar ID: VCV000437071 /PMID: 19240155 /3billion dataset). Therefore, this variant is classified as Likely pathogenic according to the recommendation of ACMG/AMP guideline.

First Genomix Gene Laboratory, Genetic Diagnostics Department
Classification: Likely pathogenic for Hypothyroidism due to TSH receptor mutations. Last evaluated: 2025-03-18. Review status: criteria provided, single submitter. Criteria: ACMG Guidelines, 2015. Collection method: clinical testing. Allele origin: germline. Inheritance: Autosomal recessive inheritance. Affected: no. Observed: 1 variant allele.

Blueprint Genetics
Classification: Uncertain significance. Last evaluated: 2024-11-26. Review status: criteria provided, single submitter. Criteria: ACMG Guidelines, 2015. Collection method: clinical testing. Allele origin: germline.

Revvity Omics, Revvity
Classification: Uncertain significance. Last evaluated: 2024-08-05. Review status: criteria provided, single submitter. Criteria: ACMG Guidelines, 2015. Collection method: clinical testing. Allele origin: germline.

Fulgent Genetics
Classification: Likely pathogenic for Hypothyroidism due to TSH receptor mutations; Familial gestational hyperthyroidism; Familial hyperthyroidism due to mutations in TSH receptor. Last evaluated: 2024-06-22. Review status: criteria provided, single submitter. Criteria: ACMG Guidelines, 2015. Collection method: clinical testing. Allele origin: germline.

Baylor Genetics
Classification: Pathogenic for Familial gestational hyperthyroidism. Last evaluated: 2024-03-28. Review status: criteria provided, single submitter. Criteria: ACMG Guidelines, 2015. Collection method: clinical testing. Allele origin: unknown.

Mendelics
Classification: Uncertain significance for Familial hyperthyroidism due to mutations in TSH receptor. Last evaluated: 2023-04-21. Review status: criteria provided, single submitter. Criteria: Mendelics Assertion Criteria 2017. Collection method: clinical testing. Allele origin: unknown.

New York Genome Center
Classification: Uncertain significance for Familial hyperthyroidism due to mutations in TSH receptor. Last evaluated: 2022-01-27. Review status: criteria provided, single submitter. Criteria: NYGC Assertion Criteria 2020. Collection method: clinical testing. Allele origin: inherited. Observed: 1 heterozygote. Study: CSER-NYCKidSeq.

Labcorp Genetics (formerly Invitae), Labcorp
Classification: Pathogenic. Last evaluated: 2021-09-02. Review status: criteria provided, single submitter. Criteria: Invitae Variant Classification Sherloc (09022015). Collection method: clinical testing. Allele origin: germline.
Comment: This sequence change replaces proline with serine at codon 68 of the TSHR protein (p.Pro68Ser). The proline residue is moderately conserved and there is a moderate physicochemical difference between proline and serine. This variant is present in population databases (rs142063461, ExAC 0.1%). This missense change has been observed in individual(s) with clinical features of hypothyroidism (PMID: 19240155, 25557138). In at least one individual the data is consistent with the variant being in trans (on the opposite chromosome) from a pathogenic variant. It has also been observed to segregate with disease in related individuals. ClinVar contains an entry for this variant (Variation ID: 437071). Algorithms developed to predict the effect of missense changes on protein structure and function are either unavailable or do not agree on the potential impact of this missense change (SIFT: "Tolerated"; PolyPhen-2: "Possibly Damaging"; Align-GVGD: "Class C0"). Experimental studies have shown that this missense change affects TSHR function (PMID: 19240155, 19820021). For these reasons, this variant has been classified as Pathogenic.

NM_000369.5(TSHR):c.202C>T (p.Pro68Ser)

Genes: TSHR (thyroid stimulating hormone receptor; plus strand), TSHR-AS1 (TSHR antisense RNA 1; minus strand). Cytogenetic location: 14q31.1.
Variant type: single nucleotide variant.
Coding change: c.202C>T on transcript NM_000369.5 (MANE Select); coding-DNA position 202, C replaced by T.
Protein change: p.Pro68Ser; replaces proline 68 with serine.
Molecular consequence: missense variant.
Genome position (GRCh38, 1-based): chr14:81,062,179, C>T. VCF-style: chr14-81062179-C-T. GRCh37 (hg19) VCF-style: chr14-81528523-C-T.
Other names: c.202C>T, p.Pro68Ser (NM_001018036.3, NM_001142626.3); short protein forms P68S.
Identifiers: ClinVar variation 437071 (VCV000437071.46), dbSNP rs142063461, ClinGen allele CA7294029.
Genomic context (GRCh38, chr14:81,062,179, plus strand): 5'-CTCTAATTATGTAACTGTTATTTTCACAGGAAGCTTATTGAGACTCACCTGAGAACTATT[C>T]CAAGTCATGCATTTTCTAATCTGCCCAATATTTCCAGAATGTAAGTTTTTTTAATATAAA-3'
Protein context (NP_000360.2, residues 58-78): KLIETHLRTI[Pro68Ser]SHAFSNLPNI